The following is an entry in ClinVar:

ClinVar aggregate classification (germline): Pathogenic/Likely pathogenic. Review status: criteria provided, multiple submitters, no conflicts (2 of 4 stars). 3 submissions from 3 submitters: Pathogenic (1); Likely pathogenic (2). Last evaluated 2023-01-20.

Conditions:
Hereditary cancer-predisposing syndrome. Also called: Neoplastic Syndromes, Hereditary; Tumor predisposition; Hereditary neoplastic syndrome; Hereditary Cancer Syndrome. Identifiers: Orphanet 140162, MedGen C0027672, MeSH D009386, MONDO:0015356.
Nijmegen breakage syndrome-like disorder (NBSLD). Also called: MICROCEPHALY AND SPONTANEOUS CHROMOSOME INSTABILITY WITHOUT IMMUNODEFICIENCY; NBS-LIKE DISORDER; RAD50 DEFICIENCY. Identifiers: Orphanet 240760, MedGen C2751318, MONDO:0013118, OMIM 613078.

Allele frequency attached by ClinVar (database versions not stated): gnomAD exomes below 0.00001.
gnomAD v4.1: 5 of 1,609,658 alleles (0.00031%); highest among the groups gnomAD compares: Non-Finnish European, 0.00034%; no homozygotes.

Submissions (3):

Labcorp Genetics (formerly Invitae), Labcorp
Classification: Likely pathogenic for Hereditary cancer-predisposing syndrome. Last evaluated: 2023-01-20. Review status: criteria provided, single submitter. Criteria: Invitae Variant Classification Sherloc (09022015). Collection method: clinical testing. Allele origin: germline.
Comment: This sequence change affects a donor splice site in intron 4 of the RAD50 gene. It is expected to disrupt RNA splicing. Variants that disrupt the donor or acceptor splice site typically lead to a loss of protein function (PMID: 16199547), and loss-of-function variants in RAD50 are known to be pathogenic (PMID: 19409520). In summary, the currently available evidence indicates that the variant is pathogenic, but additional data are needed to prove that conclusively. Therefore, this variant has been classified as Likely Pathogenic. Algorithms developed to predict the effect of sequence changes on RNA splicing suggest that this variant may disrupt the consensus splice site. ClinVar contains an entry for this variant (Variation ID: 825797). This variant has not been reported in the literature in individuals affected with RAD50-related conditions. This variant is not present in population databases (gnomAD no frequency).

Ambry Genetics
Classification: Likely pathogenic for Hereditary cancer-predisposing syndrome. Last evaluated: 2020-02-25. Review status: criteria provided, single submitter. Criteria: Ambry Variant Classification Scheme 2023. Collection method: clinical testing. Allele origin: germline.
Comment: The c.551+2T>C intronic variant results from a T to C substitution two nucleotides after coding exon 4 in the RAD50 gene. This nucleotide position is highly conserved in available vertebrate species. This variant was not reported in population-based cohorts in the Genome Aggregation Database (gnomAD). Using the BDGP and Human Splicing Finder (HSF) splice site prediction tools, this alteration will abolish the native splice donor site; however, direct evidence is unavailable (Desmet FO et al. Nucleic Acids Res. 2009 May;37:e67). Alterations that disrupt the canonical splice site are expected to cause aberrant splicing, resulting in an abnormal protein or a transcript that is subject to nonsense-mediated mRNA decay. As such, this alteration is classified as likely pathogenic.

Revvity Omics, Revvity
Classification: Pathogenic for Nijmegen breakage syndrome-like disorder. Last evaluated: 2019-04-11. Review status: criteria provided, single submitter. Criteria: ACMG Guidelines, 2015. Collection method: clinical testing. Allele origin: germline.

Literature cited by the submitters: PubMed 16199547 (cited by Labcorp Genetics (formerly Invitae), Labcorp); PubMed 19409520 (cited by Labcorp Genetics (formerly Invitae), Labcorp).

NM_005732.4(RAD50):c.551+2T>C

Gene: RAD50 (RAD50 double strand break repair protein; plus strand). Cytogenetic location: 5q31.1.
Variant type: single nucleotide variant.
Coding change: c.551+2T>C on transcript NM_005732.4 (MANE Select); the canonical splice donor site of the intron after coding-DNA position 551, T replaced by C.
Molecular consequence: splice donor variant.
Genome position (GRCh38, 1-based): chr5:132,579,504, T>C. VCF-style: chr5-132579504-T-C. GRCh37 (hg19) VCF-style: chr5-131915196-T-C.
Identifiers: ClinVar variation 825797 (VCV000825797.15), dbSNP rs1580987375, ClinGen allele CA360935277.
Genomic context (GRCh38, chr5:132,579,504, plus strand): 5'-CCTTTAAGTGAAGGAAAGGCTTTGAAGCAAAAGTTTGATGAGATTTTTTCAGCAACAAGG[T>C]TTGTAACCCTTAAATAGACTTTGTAGTCCATTAAGTTATTGAACTGTGTTTGCAATTTGG-3'